The following is an entry in ClinVar:

NM_052947.4(ALPK2):c.4723C>G (p.Pro1575Ala)

Genes: ALPK2 (alpha kinase 2; minus strand), LOC126862764 (BRD4-independent group 4 enhancer GRCh37_chr18:56202574-56203773; plus strand). Cytogenetic location: 18q21.31.
Variant type: single nucleotide variant.
Coding change: c.4723C>G on transcript NM_052947.4 (MANE Select); coding-DNA position 4723, C replaced by G.
Protein change: p.Pro1575Ala; replaces proline 1575 with alanine.
Molecular consequence: missense variant.
Genome position (GRCh38, 1-based): chr18:58,535,464, G>C on the plus strand (C>G on the coding strand, the complement: ALPK2 is on the minus strand). VCF-style: chr18-58535464-G-C. GRCh37 (hg19) VCF-style: chr18-56202696-G-C.
Other names: short protein forms P1575A.
Identifiers: ClinVar variation 1742673 (VCV001742673.3), dbSNP rs2051639319, ClinGen allele CA402560178.

ClinVar aggregate classification (germline): Uncertain significance (1 of 4 stars; one submission).

Allele frequency attached by ClinVar (database versions not stated): gnomAD exomes 0.00001.
gnomAD v4.1: 10 of 1,614,200 alleles (0.00062%); highest among the groups gnomAD compares: Non-Finnish European, 0.00085%; no homozygotes.

Submission:

Ambry Genetics
Classification: Uncertain significance. Last evaluated: 2024-04-07. Review status: criteria provided, single submitter. Criteria: Ambry Variant Classification Scheme 2023. Collection method: clinical testing. Allele origin: germline.
Comment: The p.P1575A variant (also known as c.4723C>G), located in coding exon 4 of the ALPK2 gene, results from a C to G substitution at nucleotide position 4723. The proline at codon 1575 is replaced by alanine, an amino acid with highly similar properties. This amino acid position is conserved. In addition, this alteration is predicted to be tolerated by in silico analysis. Since supporting evidence is limited at this time, the clinical significance of this alteration remains unclear.